The following is an entry in ClinVar:

ClinVar aggregate classification (germline): Uncertain significance. Review status: criteria provided, multiple submitters, no conflicts (2 of 4 stars). 2 submissions from 2 submitters: Uncertain significance (2). Last evaluated 2024-10-11.

Conditions:
Paroxysmal nonkinesigenic dyskinesia. Also called: Paroxysmal non-kinesigenic dyskinesia. Identifiers: Orphanet 98810, MedGen C1869117, MONDO:0700088.
Inborn genetic diseases. Identifiers: MedGen C0950123, MeSH D030342.

Allele frequency attached by ClinVar (database versions not stated): TOPMed below 0.00001; gnomAD 0.00001; gnomAD exomes 0.00001; ExAC 0.00007; 1000 Genomes Project 30x 0.00016.
gnomAD v4.1: 12 of 1,613,562 alleles (0.00074%); highest among the groups gnomAD compares: South Asian, 0.012%; no homozygotes.

Submissions (2):

Ambry Genetics
Classification: Uncertain significance for Inborn genetic diseases. Last evaluated: 2024-10-11. Review status: criteria provided, single submitter. Criteria: Ambry Variant Classification Scheme 2023. Collection method: clinical testing. Allele origin: germline.

Labcorp Genetics (formerly Invitae), Labcorp
Classification: Uncertain significance for Paroxysmal nonkinesigenic dyskinesia. Last evaluated: 2024-04-24. Review status: criteria provided, single submitter. Criteria: Invitae Variant Classification Sherloc (09022015). Collection method: clinical testing. Allele origin: germline.
Comment: This sequence change replaces tyrosine, which is neutral and polar, with cysteine, which is neutral and slightly polar, at codon 90 of the PNKD protein (p.Tyr90Cys). This variant is present in population databases (rs762348312, gnomAD 0.02%). This variant has not been reported in the literature in individuals affected with PNKD-related conditions. ClinVar contains an entry for this variant (Variation ID: 2263834). An algorithm developed to predict the effect of missense changes on protein structure and function (PolyPhen-2) suggests that this variant is likely to be disruptive. In summary, the available evidence is currently insufficient to determine the role of this variant in disease. Therefore, it has been classified as a Variant of Uncertain Significance.

NM_015488.5(PNKD):c.269A>G (p.Tyr90Cys)

Genes: CATIP-AS2 (CATIP antisense RNA 2; minus strand), PNKD (PNKD metallo-beta-lactamase domain containing; plus strand). Cytogenetic location: 2q35.
Variant type: single nucleotide variant.
Coding change: c.269A>G on transcript NM_015488.5 (MANE Select); coding-DNA position 269, A replaced by G.
Protein change: p.Tyr90Cys; replaces tyrosine 90 with cysteine.
Molecular consequence: missense variant.
Genome position (GRCh38, 1-based): chr2:218,339,815, A>G. VCF-style: chr2-218339815-A-G. GRCh37 (hg19) VCF-style: chr2-219204538-A-G.
Other names: c.197A>G, p.Tyr66Cys (NM_022572.5); short protein forms Y90C, Y66C.
Identifiers: ClinVar variation 2263834 (VCV002263834.5), dbSNP rs762348312, ClinGen allele CA2103874.
Genomic context (GRCh38, chr2:218,339,815, plus strand): 5'-AATCATAGGCCACCCACTCGCCCTCTAGGTACAGCCTGTACACCCGCACCTGGCTCGGGT[A>G]CCTCTTCTACCGACAGCAGCTGCGCAGGGCTCGGAATCGCTACCCTAAAGGCCACTCGAA-3'
Protein context (NP_056303.3, residues 80-100): YSLYTRTWLG[Tyr90Cys]LFYRQQLRRA